The following is an entry in ClinVar:

NM_152564.5(VPS13B):c.505C>A (p.Leu169Ile)

Gene: VPS13B (vacuolar protein sorting 13 homolog B; plus strand). Cytogenetic location: 8q22.2.
Variant type: single nucleotide variant.
Coding change: c.505C>A on transcript NM_152564.5 (MANE Select); coding-DNA position 505, C replaced by A.
Protein change: p.Leu169Ile; replaces leucine 169 with isoleucine.
Molecular consequence: missense variant. On other transcripts: non-coding transcript variant (1).
Genome position (GRCh38, 1-based): chr8:99,103,045, C>A. VCF-style: chr8-99103045-C-A. GRCh37 (hg19) VCF-style: chr8-100115273-C-A.
Other names: c.505C>A, p.Leu169Ile (NM_015243.3, NM_017890.5, NM_181661.3); short protein forms L169I.
Identifiers: ClinVar variation 588671 (VCV000588671.20), dbSNP rs376498106, ClinGen allele CA4822402.

ClinVar aggregate classification (germline): Conflicting classifications of pathogenicity. Review status: criteria provided, conflicting classifications (1 of 4 stars). 5 submissions from 5 submitters: Uncertain significance (1); Likely benign (2). 2 of the submissions do not count toward it. Last evaluated 2026-01-26.

Conditions:
Cohen syndrome (COH1). Also called: Cutis verticis gyrata, retinitis pigmentosa, and sensorineural deafness; PEPPER SYNDROME. Identifiers: Orphanet 193, MedGen C0265223, MONDO:0008999, OMIM 216550.
VPS13B-related disorder. Also called: VPS13B-related condition.
Inborn genetic diseases. Identifiers: MedGen C0950123, MeSH D030342.

Allele frequency attached by ClinVar (database versions not stated): gnomAD exomes 0.00003 and 0.00010; ExAC 0.00012; 1000 Genomes Project 30x 0.00016; 1000 Genomes Project 0.00020; ESP Exome Variant Server 0.00031; gnomAD 0.00041 and 0.00042; TOPMed 0.00046.
gnomAD v4.1: 101 of 1,613,486 alleles (0.0063%); highest among the groups gnomAD compares: African/African-American, 0.12%; no homozygotes.

Submissions (5):

Labcorp Genetics (formerly Invitae), Labcorp
Classification: Likely benign for Cohen syndrome. Last evaluated: 2026-01-26. Review status: criteria provided, single submitter. Criteria: Invitae Variant Classification Sherloc (09022015). Collection method: clinical testing. Allele origin: germline.

Ambry Genetics
Classification: Uncertain significance for Inborn genetic diseases. Last evaluated: 2025-12-04. Review status: criteria provided, single submitter. Criteria: Ambry Variant Classification Scheme 2023. Collection method: clinical testing. Allele origin: germline.
Comment: The c.505C>A (p.L169I) alteration is located in exon 5 (coding exon 4) of the VPS13B gene. This alteration results from a C to A substitution at nucleotide position 505, causing the leucine (L) at amino acid position 169 to be replaced by an isoleucine (I). Based on data from gnomAD, the A allele has an overall frequency of 0.013% (37/282700) total alleles studied. The highest observed frequency was 0.132% (33/24968) of African alleles. Based on insufficient or conflicting evidence, the clinical significance of this alteration remains unclear.

Blueprint Genetics
Classification: Likely benign. Last evaluated: 2023-10-13. Review status: criteria provided, single submitter. Criteria: ACMG Guidelines, 2015. Collection method: clinical testing. Allele origin: germline.

PreventionGenetics, part of Exact Sciences
Classification: Uncertain significance for VPS13B-related condition. Last evaluated: 2024-05-07. Review status: no assertion criteria provided. Collection method: clinical testing. Allele origin: germline. Not counted in ClinVar's aggregate classification.
Comment: The VPS13B c.505C>A variant is predicted to result in the amino acid substitution p.Leu169Ile. To our knowledge, this variant has not been reported in the literature. This variant is reported in 0.13% of alleles in individuals of African descent in gnomAD, which may be too common to be a primary cause of disease. Although we suspect that this variant may be benign, at this time, the clinical significance of this variant is uncertain due to the absence of conclusive functional and genetic evidence.

Natera, Inc.
Classification: Uncertain significance for Cohen syndrome. Last evaluated: 2019-11-11. Review status: no assertion criteria provided. Collection method: clinical testing. Allele origin: germline. Not counted in ClinVar's aggregate classification.